The following is an entry in ClinVar:

ClinVar aggregate classification (germline): Pathogenic. Review status: criteria provided, multiple submitters, no conflicts (2 of 4 stars). 5 submissions from 5 submitters: Pathogenic (4). 1 of the submissions does not count toward it. Last evaluated 2025-08-20.

Conditions:
Hereditary cancer-predisposing syndrome. Also called: Hereditary neoplastic syndrome; Tumor predisposition; Neoplastic Syndromes, Hereditary; Hereditary Cancer Syndrome. Identifiers: Orphanet 140162, MedGen C0027672, MeSH D009386, MONDO:0015356.
Cardiovascular phenotype. Identifiers: MedGen CN230736.
Neurofibromatosis, type 1 (NF1). Also called: Neurofibromatosis, type I; NEUROFIBROMATOSIS, TYPE I, SOMATIC; Peripheral type neurofibromatosis; VON RECKLINGHAUSEN DISEASE. Identifiers: Orphanet 636, MedGen C0027831, MONDO:0018975, OMIM 162200. Disease mechanism: loss of function.

Submissions (5):

Labcorp Genetics (formerly Invitae), Labcorp
Classification: Pathogenic for Neurofibromatosis, type 1. Last evaluated: 2025-08-20. Review status: criteria provided, single submitter. Criteria: Invitae Variant Classification Sherloc (09022015). Collection method: clinical testing. Allele origin: germline.
Comment: This sequence change creates a premature translational stop signal (p.Leu190*) in the NF1 gene. It is expected to result in an absent or disrupted protein product. Loss-of-function variants in NF1 are known to be pathogenic (PMID: 10712197, 23913538). This variant is not present in population databases (gnomAD no frequency). This premature translational stop signal has been observed in individual(s) with neurofibromatosis type 1 (PMID: 24789688, 25074460). ClinVar contains an entry for this variant (Variation ID: 431974). For these reasons, this variant has been classified as Pathogenic.

Ambry Genetics
Classification: Pathogenic for Cardiovascular phenotype; Hereditary cancer-predisposing syndrome. Last evaluated: 2025-03-18. Review status: criteria provided, single submitter. Criteria: Ambry Variant Classification Scheme 2023. Collection method: clinical testing. Allele origin: germline.
Comment: The p.L190* pathogenic mutation (also known as c.569T>G), located in coding exon 5 of the NF1 gene, results from a T to G substitution at nucleotide position 569. This changes the amino acid from a leucine to a stop codon within coding exon 5. This variant was reported in individuals with features consistent with neurofibromatosis type 1 (Pasmant E et al. Eur J Hum Genet. 2015 May;23:596-601; Mudau MM et al. Front Genet. 2024 Mar;15:1331278; Ambry internal data). This variant is considered to be rare based on population cohorts in the Genome Aggregation Database (gnomAD). In addition to the clinical data presented in the literature, this alteration is expected to result in loss of function by premature protein truncation or nonsense-mediated mRNA decay. As such, this alteration is interpreted as a disease-causing mutation.

GeneDx
Classification: Pathogenic. Last evaluated: 2023-03-07. Review status: criteria provided, single submitter. Criteria: GeneDx Variant Classification Process June 2021. Collection method: clinical testing. Allele origin: germline. Affected: yes.
Comment: Nonsense variant predicted to result in protein truncation and nonsense mediated decay in a gene for which loss of function is a known mechanism of disease; Not observed at significant frequency in large population cohorts (gnomAD); This variant is associated with the following publications: (PMID: 24789688, 25074460, 23913538, 10712197, 31617914)

Genome-Nilou Lab
Classification: Pathogenic for Neurofibromatosis, type 1. Last evaluated: 2022-03-15. Review status: criteria provided, single submitter. Criteria: ACMG Guidelines, 2015. Collection method: clinical testing. Allele origin: germline. Affected: no.

Division of Human Genetics, National Health Laboratory Service/University of the Witwatersrand
Classification: Pathogenic for Neurofibromatosis, type 1. Review status: no assertion criteria provided. Collection method: research. Allele origin: unknown. Affected: yes. Observed: 1 variant allele. Not counted in ClinVar's aggregate classification.

Literature cited by the submitters: PubMed 10712197 (cited by Labcorp Genetics (formerly Invitae), Labcorp); PubMed 23913538 (cited by Labcorp Genetics (formerly Invitae), Labcorp); PubMed 24789688 (cited by Labcorp Genetics (formerly Invitae), Labcorp); PubMed 25074460 (cited by Labcorp Genetics (formerly Invitae), Labcorp and Ambry Genetics); PubMed 38596211 (cited by Ambry Genetics).

NM_001042492.3(NF1):c.569T>G (p.Leu190Ter)

Gene: NF1 (neurofibromin 1; plus strand). Cytogenetic location: 17q11.2.
Variant type: single nucleotide variant.
Coding change: c.569T>G on transcript NM_001042492.3 (MANE Select); coding-DNA position 569, T replaced by G.
Protein change: p.Leu190Ter; replaces leucine 190 with a stop codon.
Molecular consequence: nonsense.
Genome position (GRCh38, 1-based): chr17:31,169,980, T>G. VCF-style: chr17-31169980-T-G. GRCh37 (hg19) VCF-style: chr17-29496998-T-G.
Other names: c.569T>G, p.Leu190Ter (NM_000267.4, NM_001128147.3); short protein forms L190*.
Identifiers: ClinVar variation 431974 (VCV000431974.9), dbSNP rs1555607112, ClinGen allele CA398985389.